The following is an entry in ClinVar:

NM_001330260.2(SCN8A):c.5291T>C (p.Ile1764Thr)

Gene: SCN8A (sodium voltage-gated channel alpha subunit 8; plus strand). Cytogenetic location: 12q13.13.
Variant type: single nucleotide variant.
Coding change: c.5291T>C on transcript NM_001330260.2 (MANE Select); coding-DNA position 5291, T replaced by C.
Protein change: p.Ile1764Thr; replaces isoleucine 1764 with threonine.
Molecular consequence: missense variant.
Genome position (GRCh38, 1-based): chr12:51,806,777, T>C. VCF-style: chr12-51806777-T-C. GRCh37 (hg19) VCF-style: chr12-52200561-T-C.
Other names: c.5168T>C, p.Ile1723Thr (NM_001177984.3, NM_001369788.1); c.5291T>C, p.Ile1764Thr (NM_014191.4); short protein forms I1723T, I1764T.
Identifiers: ClinVar variation 1720827 (VCV001720827.5), dbSNP rs200203078, ClinGen allele CA236327543.
Genomic context (GRCh38, chr12:51,806,777, plus strand): 5'-TCTTCTTTGTAAGCTACATCATCATCTCTTTCCTAATTGTCGTGAACATGTACATTGCCA[T>C]CATCCTGGAGAACTTCAGTGTAGCCACAGAGGAAAGTGCAGACCCTCTGAGTGAGGATGA-3'
Protein context (NP_001317189.1, residues 1754-1774): FLIVVNMYIA[Ile1764Thr]ILENFSVATE

ClinVar aggregate classification (germline): Uncertain significance (1 of 4 stars; one submission).

Conditions:
Early-infantile DEE. Also called: Early infantile epileptic encephalopathy with suppression bursts; Early infantile epileptic encephalopathy; Ohtahara syndrome. Identifiers: Orphanet 1934, MedGen C0393706, MONDO:0800491.

Submission:

Labcorp Genetics (formerly Invitae), Labcorp
Classification: Uncertain significance for Early-infantile DEE. Last evaluated: 2022-07-28. Review status: criteria provided, single submitter. Criteria: Invitae Variant Classification Sherloc (09022015). Collection method: clinical testing. Allele origin: germline.
Comment: This sequence change replaces isoleucine, which is neutral and non-polar, with threonine, which is neutral and polar, at codon 1764 of the SCN8A protein (p.Ile1764Thr). This variant is not present in population databases (gnomAD no frequency). This variant has not been reported in the literature in individuals affected with SCN8A-related conditions. Algorithms developed to predict the effect of missense changes on protein structure and function are either unavailable or do not agree on the potential impact of this missense change (SIFT: "Deleterious"; PolyPhen-2: "Possibly Damaging"; Align-GVGD: "Class C0"). In summary, the available evidence is currently insufficient to determine the role of this variant in disease. Therefore, it has been classified as a Variant of Uncertain Significance.